The following is an entry in ClinVar:

NM_007294.4(BRCA1):c.1081T>C (p.Ser361Pro)

Gene: BRCA1 (BRCA1 DNA repair associated; minus strand). Cytogenetic location: 17q21.31.
Variant type: single nucleotide variant.
Coding change: c.1081T>C on transcript NM_007294.4 (MANE Select); coding-DNA position 1081, T replaced by C.
Protein change: p.Ser361Pro; replaces serine 361 with proline.
Molecular consequence: missense variant. On other transcripts: intron variant (137).
Genome position (GRCh38, 1-based): chr17:43,094,450, A>G on the plus strand (T>C on the coding strand, the complement: BRCA1 is on the minus strand). VCF-style: chr17-43094450-A-G. GRCh37 (hg19) VCF-style: chr17-41246467-A-G.
Other names: 1200T>C; c.1078T>C, p.Ser360Pro (NM_001407627.1, NM_001407628.1, NM_001407629.1 and 22 more transcripts); c.1081T>C, p.Ser361Pro (NM_001407639.1, NM_001407640.1, NM_001407641.1 and 30 more transcripts); c.1072T>C, p.Ser358Pro (NM_001407646.1, NM_001407647.1); c.958T>C, p.Ser320Pro (NM_001407648.1, NM_001407664.1, NM_001407665.1 and 19 more transcripts); c.955T>C, p.Ser319Pro (NM_001407649.1, NM_001407670.1, NM_001407671.1 and 11 more transcripts); c.1003T>C, p.Ser335Pro (NM_001407653.1, NM_001407654.1, NM_001407655.1 and 4 more transcripts); c.1000T>C, p.Ser334Pro (NM_001407659.1, NM_001407660.1, NM_001407661.1 and 1 more transcripts); and 41 more; short protein forms S361P, S314P, S234P, S250P, S272P, S320P, S360P, S291P.
Identifiers: ClinVar variation 54120 (VCV000054120.34), dbSNP rs80356946, ClinGen allele CA000723.

ClinVar aggregate classification (germline): Conflicting classifications of pathogenicity. Review status: criteria provided, conflicting classifications (1 of 4 stars). 11 submissions from 11 submitters: Uncertain significance (4); Likely benign (4). 3 of the submissions do not count toward it. Last evaluated 2025-12-13.

Conditions:
BRCA1-related cancer predisposition. Identifiers: MedGen CN377757, MONDO:0700268.
Hereditary cancer-predisposing syndrome. Also called: Tumor predisposition; Neoplastic Syndromes, Hereditary; Hereditary Cancer Syndrome; Hereditary neoplastic syndrome. Identifiers: Orphanet 140162, MedGen C0027672, MeSH D009386, MONDO:0015356.
Hereditary breast ovarian cancer syndrome. Also called: Hereditary breast and ovarian cancer syndrome (HBOC); Hereditary breast and ovarian cancer syndrome; Hereditary breast and ovarian cancer; Hereditary breast and/or ovarian cancer syndrome; Breast and ovarian cancer; BRCA1- and BRCA2-Associated Hereditary Breast and Ovarian Cancer. Identifiers: Orphanet 145, MedGen C0677776, MeSH D061325, MONDO:0003582. Disease mechanism: loss of function.
Breast-ovarian cancer, familial, susceptibility to, 1 (BROVCA1). Also called: OVARIAN CANCER, SUSCEPTIBILITY TO; BRCA1 Hereditary Breast and Ovarian Cancer. Identifiers: Orphanet 145, MedGen C2676676, MONDO:0011450, OMIM 604370. Disease mechanism: loss of function.

Allele frequency attached by ClinVar (database versions not stated): TOPMed below 0.00001; gnomAD 0.00001; gnomAD exomes 0.00001.
gnomAD v4.1: 5 of 1,613,940 alleles (0.00031%); highest among the groups gnomAD compares: Non-Finnish European, 0.00042%; no homozygotes.

Submissions (11):

Labcorp Genetics (formerly Invitae), Labcorp
Classification: Likely benign for Hereditary breast ovarian cancer syndrome. Last evaluated: 2025-12-13. Review status: criteria provided, single submitter. Criteria: Invitae Variant Classification Sherloc (09022015). Collection method: clinical testing. Allele origin: germline.

Ambry Genetics
Classification: Uncertain significance for Hereditary cancer-predisposing syndrome. Last evaluated: 2025-07-07. Review status: criteria provided, single submitter. Criteria: Ambry Variant Classification Scheme 2023. Collection method: clinical testing. Allele origin: germline.
Comment: The p.S361P variant (also known as c.1081T>C), located in coding exon 9 of the BRCA1 gene, results from a T to C substitution at nucleotide position 1081. The serine at codon 361 is replaced by proline, an amino acid with similar properties. This amino acid position is not well conserved in available vertebrate species. In addition, the in silico prediction for this alteration is inconclusive. Based on the available evidence, the clinical significance of this variant remains unclear.

Quest Diagnostics Nichols Institute San Juan Capistrano
Classification: Uncertain significance. Last evaluated: 2025-04-24. Review status: criteria provided, single submitter. Criteria: Quest Diagnostics criteria. Collection method: clinical testing. Allele origin: unknown.
Comment: The BRCA1 c.1081T>C (p.Ser361Pro) variant has been reported in the published literature in individuals with breast or ovarian cancer (PMID: 32438681 (2020), 33471991 (2021), see also LOVD) or suspected breast or ovarian cancer (PMID: 34981296 (2022)). This variant is also reported to be located in a region of the BRCA1 gene that is tolerant to missense sequence changes (PMID: 31911673 (2020)) and as being likely benign in a multifactorial likelihood study (PMID: 31131967 (2019)). Functional analysis via homologous recombination repair assays yielded results that were inconclusive or suggested that this variant does not damage BRCA1 protein function (PMID: 32546644 (2020)). The frequency of this variant in the general population (Genome Aggregation Database) is uninformative in the assessment of its pathogenicity. Analysis of this variant using bioinformatics tools for the prediction of the effect of amino acid changes on protein structure and function yielded predictions that this variant is benign. Based on the available information, we are unable to determine the clinical significance of this variant.

Color Diagnostics, LLC DBA Color Health
Classification: Likely benign for Hereditary cancer-predisposing syndrome. Last evaluated: 2024-07-29. Review status: criteria provided, single submitter. Criteria: ACMG Guidelines, 2015. Collection method: clinical testing. Allele origin: germline.

GeneDx
Classification: Uncertain significance. Last evaluated: 2024-07-11. Review status: criteria provided, single submitter. Criteria: GeneDx Variant Classification Process June 2021. Collection method: clinical testing. Allele origin: germline. Affected: yes.
Comment: Not observed at significant frequency in large population cohorts (gnomAD); In silico analysis supports that this missense variant has a deleterious effect on protein structure/function; Published functional studies demonstrate no impact on homologous recombination DNA repair (PMID: 32546644); Observed in a patient with breast and/or ovarian cancer (PMID: 32438681); Also known as 1920T>C; This variant is associated with the following publications: (PMID: 31294896, 29884841, 15385441, 31112341, 34981296, 32438681, 32546644, 31131967, 20215511, 11521194, 10426999, 9582019, 9926942, 15343273)

Women's Health and Genetics/Laboratory Corporation of America, LabCorp
Classification: Likely benign. Last evaluated: 2024-04-29. Review status: criteria provided, single submitter. Criteria: LabCorp Variant Classification Summary - May 2015. Collection method: clinical testing. Allele origin: germline.
Comment: Variant summary: BRCA1 c.1081T>C (p.Ser361Pro) results in a non-conservative amino acid change located in the BRCA1, serine-rich domain (IPR025994) of the encoded protein sequence. Four of five in-silico tools predict a benign effect of the variant on protein function. The variant was absent in 251080 control chromosomes (gnomAD exomes and 5 occurrences in gnomAD v4). The available data on variant occurrences in the general population are insufficient to allow any conclusion about variant significance. c.1081T>C has been reported in the literature in an individual affected with breast and/or ovarian cancer (Santonocito_2020). This report however, do not provide unequivocal conclusions about association of the variant with Hereditary Breast and Ovarian Cancer Syndrome. Several multifactorial analysis studies report the variant as likely benign (example: Cline_2019, Bouwman_2020). At least one publication reports experimental evidence evaluating an impact on protein function (Bouwman_2020). These results showed no damaging effect of this variant using complementation assays for cisplatin and olaparib sensitivity and homologous recombination. The following publications have been ascertained in the context of this evaluation (PMID: 32546644, 31294896, 31112341, 15385441, 32438681). ClinVar contains an entry for this variant (Variation ID: 54120). Based on the evidence outlined above, the variant was classified as likely benign.

All of Us Research Program, National Institutes of Health
Classification: Uncertain significance for BRCA1-related cancer predisposition. Last evaluated: 2024-02-08. Review status: criteria provided, single submitter. Criteria: ACMG Guidelines, 2015. Collection method: clinical testing. Allele origin: germline. Inheritance: Autosomal dominant inheritance. Observed: 3 variant alleles, 3 heterozygotes.
Comment: This missense variant replaces serine with proline at codon 361 of the BRCA1 protein. Computational prediction is inconclusive regarding the impact of this variant on protein structure and function (internally defined REVEL score threshold 0.5 < inconclusive < 0.7, PMID: 27666373). A functional study has reported that this variant does not impact BRCA1 function in a homology-directed repair assay and a cisplatin sensitivity assay performed in a Brca1-deficient mouse embryonic stem cells ( (PMID: 32546644). This variant has been reported in an individual affected with breast or ovarian cancer (PMID: 32438681), and reported in one multifactorial analysis with a family history likelihood ratio for pathogenicity of 0.2259 (PMID: 31131967). This variant has been identified in 1/31396 chromosomes in the general population by the Genome Aggregation Database (gnomAD). The available evidence is insufficient to determine the role of this variant in disease conclusively. Therefore, this variant is classified as a Variant of Uncertain Significance.

This study involves interpretation of variants in research participants for the purpose of population health screening. Participant phenotype was not available at the time of variant classification. Additional details can be found in publication PMID: 35346344, PMCID: PMC8962531

University of Washington Department of Laboratory Medicine, University of Washington
Classification: Likely benign for Hereditary cancer-predisposing syndrome. Last evaluated: 2023-03-23. Review status: criteria provided, single submitter. Criteria: Dines et al. (Genet Med. 2020). Collection method: curation. Allele origin: germline.
Comment: Missense variant in a coldspot region where missense variants are very unlikely to be pathogenic (PMID:31911673).

BRCA1 coldspot (exon 11 using historical exon numbering). Reclassification based on statistical prior probability

Sharing Clinical Reports Project (SCRP)
Classification: Benign for Breast-ovarian cancer, familial 1. Last evaluated: 2010-02-13. Review status: no assertion criteria provided. Collection method: clinical testing. Allele origin: germline. Not counted in ClinVar's aggregate classification.

Breast Cancer Information Core (BIC) (BRCA1)
Classification: Uncertain significance for Breast-ovarian cancer, familial 1. Last evaluated: 2003-12-23. Review status: no assertion criteria provided. Collection method: clinical testing. Allele origin: germline. Affected: yes. Observed: 1 variant allele. Not counted in ClinVar's aggregate classification.

Department of Pathology and Laboratory Medicine, Sinai Health System
Classification: Uncertain significance. Review status: no assertion criteria provided. Collection method: clinical testing. Allele origin: unknown. Affected: yes. Observed: 1 variant allele. Study: The Canadian Open Genetics Repository (COGR). Not counted in ClinVar's aggregate classification.

Literature cited by the submitters: PubMed 32438681 (cited by 3 submitters); PubMed 32546644 (cited by 3 submitters); PubMed 34981296 (cited by Quest Diagnostics Nichols Institute San Juan Capistrano); PubMed 35979650 (cited by Quest Diagnostics Nichols Institute San Juan Capistrano); PubMed 31911673 (cited by Quest Diagnostics Nichols Institute San Juan Capistrano); PubMed 31853058 (cited by Quest Diagnostics Nichols Institute San Juan Capistrano); PubMed 31131967 (cited by Quest Diagnostics Nichols Institute San Juan Capistrano and All of Us Research Program, National Institutes of Health); PubMed 33471991 (cited by Quest Diagnostics Nichols Institute San Juan Capistrano); PubMed 33087888 (cited by Quest Diagnostics Nichols Institute San Juan Capistrano); PubMed 15385441 (cited by Women's Health and Genetics/Laboratory Corporation of America, LabCorp); PubMed 31112341 (cited by Women's Health and Genetics/Laboratory Corporation of America, LabCorp); PubMed 31294896 (cited by Women's Health and Genetics/Laboratory Corporation of America, LabCorp).